The following is an entry in ClinVar:

ClinVar aggregate classification (germline): Pathogenic (1 of 4 stars; one submission).

Conditions:
Congenital myasthenic syndrome 4A. Also called: Myasthenic syndrome, congenital, 4a, slow-channel; CONGENITAL MYASTHENIC SYNDROME TYPE Ia1; MYASTHENIC SYNDROME, CONGENITAL, 4A, SLOW-CHANNEL, AUTOSOMAL RECESSIVE. Identifiers: Orphanet 590, MedGen C4225413, MONDO:0011600, OMIM 605809.

Submission:

Labcorp Genetics (formerly Invitae), Labcorp
Classification: Pathogenic for Congenital myasthenic syndrome 4A. Last evaluated: 2022-03-03. Review status: criteria provided, single submitter. Criteria: Invitae Variant Classification Sherloc (09022015). Collection method: clinical testing. Allele origin: germline.
Comment: This sequence change affects a donor splice site in intron 10 of the CHRNE gene. It is expected to disrupt RNA splicing. Variants that disrupt the donor or acceptor splice site typically lead to a loss of protein function (PMID: 16199547), and loss-of-function variants in CHRNE are known to be pathogenic (PMID: 22678886). This variant is not present in population databases (gnomAD no frequency). Disruption of this splice site has been observed in individuals with autosomal recessive congenital myasthenic syndrome (PMID: 10496269). It has also been observed to segregate with disease in related individuals. Algorithms developed to predict the effect of sequence changes on RNA splicing suggest that this variant may disrupt the consensus splice site. For these reasons, this variant has been classified as Pathogenic.

Literature cited by the submitters: PubMed 16199547; PubMed 22678886; PubMed 10496269.

NM_000080.4(CHRNE):c.1219+1G>C

Genes: CHRNE (cholinergic receptor nicotinic epsilon subunit; minus strand), LOC130060040 (ATAC-STARR-seq lymphoblastoid silent region 8049; plus strand). Cytogenetic location: 17p13.2.
Variant type: single nucleotide variant.
Coding change: c.1219+1G>C on transcript NM_000080.4 (MANE Select); the canonical splice donor site of the intron after coding-DNA position 1219, G replaced by C.
Molecular consequence: splice donor variant.
Genome position (GRCh38, 1-based): chr17:4,899,197, C>G on the plus strand (G>C on the coding strand, the complement: CHRNE is on the minus strand). VCF-style: chr17-4899197-C-G. GRCh37 (hg19) VCF-style: chr17-4802492-C-G.
Identifiers: ClinVar variation 2102390 (VCV002102390.4), dbSNP rs2507540629, ClinGen allele CA397299891.
Genomic context (GRCh38, chr17:4,899,197, plus strand): 5'-AGGAGCCTCCCCCCTGGCAGGCACCCCGCGCGGCCCCCCGGGCCAGGGCCACTGTGCTCA[C>G]CCGTCCAGGTCCCCTGCCGGTGCCTCTGCCCCTCAAACACGAGCTCGCTCCGTGGCTTTT-3'